The following is an entry in ClinVar:

ClinVar aggregate classification (germline): Uncertain significance (1 of 4 stars; one submission).

Conditions:
Oligodontia-cancer predisposition syndrome. Also called: TOOTH AGENESIS-COLORECTAL CANCER SYNDROME. Identifiers: Orphanet 300576, MedGen C1837750, MONDO:0012075, OMIM 608615. Disease mechanism: loss of function.

Submission:

Labcorp Genetics (formerly Invitae), Labcorp
Classification: Uncertain significance for Oligodontia-cancer predisposition syndrome. Last evaluated: 2024-10-02. Review status: criteria provided, single submitter. Criteria: Invitae Variant Classification Sherloc (09022015). Collection method: clinical testing. Allele origin: germline.
Comment: This sequence change replaces alanine, which is neutral and non-polar, with glycine, which is neutral and non-polar, at codon 591 of the AXIN2 protein (p.Ala591Gly). This variant is not present in population databases (gnomAD no frequency). This variant has not been reported in the literature in individuals affected with AXIN2-related conditions. Invitae Evidence Modeling of protein sequence and biophysical properties (such as structural, functional, and spatial information, amino acid conservation, physicochemical variation, residue mobility, and thermodynamic stability) indicates that this missense variant is not expected to disrupt AXIN2 protein function with a negative predictive value of 80%. In summary, the available evidence is currently insufficient to determine the role of this variant in disease. Therefore, it has been classified as a Variant of Uncertain Significance.

NM_004655.4(AXIN2):c.1772C>G (p.Ala591Gly)

Gene: AXIN2 (axin 2; minus strand). Cytogenetic location: 17q24.1.
Variant type: single nucleotide variant.
Coding change: c.1772C>G on transcript NM_004655.4 (MANE Select); coding-DNA position 1772, C replaced by G.
Protein change: p.Ala591Gly; replaces alanine 591 with glycine.
Molecular consequence: missense variant. On other transcripts: intron variant (1).
Genome position (GRCh38, 1-based): chr17:65,537,004, G>C on the plus strand (C>G on the coding strand, the complement: AXIN2 is on the minus strand). VCF-style: chr17-65537004-G-C. GRCh37 (hg19) VCF-style: chr17-63533122-G-C.
Other names: c.1712+320C>G (NM_001363813.1); short protein forms A591G.
Identifiers: ClinVar variation 3657613 (VCV003657613.2).